The following is an entry in ClinVar:

ClinVar aggregate classification (germline): Uncertain significance (1 of 4 stars; one submission).

gnomAD v4.1: 1 of 1,613,874 alleles (0.000062%); highest among the groups gnomAD compares: Non-Finnish European, 0.000085%; no homozygotes.

Submission:

Ambry Genetics
Classification: Uncertain significance. Last evaluated: 2024-04-17. Review status: criteria provided, single submitter. Criteria: Ambry Variant Classification Scheme 2023. Collection method: clinical testing. Allele origin: germline.
Comment: The p.S1266T variant (also known as c.3797G>C), located in coding exon 16 of the POLQ gene, results from a G to C substitution at nucleotide position 3797. The serine at codon 1266 is replaced by threonine, an amino acid with similar properties. This amino acid position is conserved. In addition, this alteration is predicted to be tolerated by in silico analysis. Based on the available evidence, the clinical significance of this variant remains unclear.

NM_199420.4(POLQ):c.3797G>C (p.Ser1266Thr)

Gene: POLQ (DNA polymerase theta; minus strand). Cytogenetic location: 3q13.33.
Variant type: single nucleotide variant.
Coding change: c.3797G>C on transcript NM_199420.4 (MANE Select); coding-DNA position 3797, G replaced by C.
Protein change: p.Ser1266Thr; replaces serine 1266 with threonine.
Molecular consequence: missense variant.
Genome position (GRCh38, 1-based): chr3:121,489,134, C>G on the plus strand (G>C on the coding strand, the complement: POLQ is on the minus strand). VCF-style: chr3-121489134-C-G. GRCh37 (hg19) VCF-style: chr3-121207981-C-G.
Other names: short protein forms S1266T.
Identifiers: ClinVar variation 3308499 (VCV003308499.1).